The following is an entry in ClinVar:

ClinVar aggregate classification (germline): Uncertain significance (1 of 4 stars; one submission).

Submission:

GeneDx
Classification: Uncertain significance. Last evaluated: 2022-06-17. Review status: criteria provided, single submitter. Criteria: GeneDx Variant Classification Process June 2021. Collection method: clinical testing. Allele origin: germline. Affected: yes.
Comment: Not observed at significant frequency in large population cohorts (gnomAD); In silico analysis supports that this missense variant has a deleterious effect on protein structure/function; Has not been previously published as pathogenic or benign to our knowledge

NM_030665.4(RAI1):c.1973G>C (p.Trp658Ser)

Gene: RAI1 (retinoic acid induced 1; plus strand). Cytogenetic location: 17p11.2.
Variant type: single nucleotide variant.
Coding change: c.1973G>C on transcript NM_030665.4 (MANE Select); coding-DNA position 1973, G replaced by C.
Protein change: p.Trp658Ser; replaces tryptophan 658 with serine.
Molecular consequence: missense variant.
Genome position (GRCh38, 1-based): chr17:17,794,921, G>C. VCF-style: chr17-17794921-G-C. GRCh37 (hg19) VCF-style: chr17-17698235-G-C.
Other names: short protein forms W658S.
Identifiers: ClinVar variation 1804257 (VCV001804257.1), dbSNP rs2032173536, ClinGen allele CA398549638.